The following is an entry in ClinVar:

NM_000535.7(PMS2):c.1621_1622delinsGG (p.Lys541Gly)

Gene: PMS2 (PMS1 homolog 2, mismatch repair system component; minus strand). Cytogenetic location: 7p22.1.
Variant type: Indel.
Coding change: c.1621_1622delinsGG on transcript NM_000535.7 (MANE Select); coding-DNA positions 1621 to 1622, AA replaced by GG.
Protein change: p.Lys541Gly; replaces lysine 541 with glycine.
Molecular consequence: missense variant. On other transcripts: non-coding transcript variant (1), intron variant (1).
Genome position (GRCh38, 1-based): chr7:5,987,143-5,987,144, TT replaced by CC on the plus strand (AA replaced by GG on the coding strand, the reverse complement: PMS2 is on the minus strand). VCF-style: chr7-5987143-TT-CC. GRCh37 (hg19) VCF-style: chr7-6026774-TT-CC.
Other names: c.1216_1217delinsGG, p.Lys406Gly (NM_001322003.2, NM_001322004.2, NM_001322005.2 and 16 more transcripts); c.1465_1466delinsGG, p.Lys489Gly (NM_001322006.2, NM_001406870.1); c.1303_1304delinsGG, p.Lys435Gly (NM_001322007.2, NM_001322008.2, NM_001406876.1 and 2 more transcripts); c.1060_1061delinsGG, p.Lys354Gly (NM_001322010.2, NM_001406906.1, NM_001406907.1); c.688_689delinsGG, p.Lys230Gly (NM_001322011.2, NM_001322012.2); c.1048_1049delinsGG, p.Lys350Gly (NM_001322013.2, NM_001406909.1); c.1621_1622delinsGG, p.Lys541Gly (NM_001322014.2, NM_001406871.1, NM_001406872.1); c.1312_1313delinsGG, p.Lys438Gly (NM_001322015.2, NM_001406875.1, NM_001406877.1 and 5 more transcripts); and 13 more; short protein forms E541G, K230G, K284G, K350G, K354G, K370G, K383G, K386G.
Identifiers: ClinVar variation 4756952 (VCV004756952.1).
Genomic context (GRCh38, chr7:5,987,143, plus strand): 5'-TTACATCCGGTATCTTCCTGGTTTGAATGGCAGTCCACATCTGAAAAAGAGTCGTCAGTT[TT>CC]AGGCGCTTTCTCCTGAGAGTCCACATGTTCCTGCGAGCCCCTGTCCCCTGGGGAGCTGGC-3'
Protein context (NP_000526.2, residues 531-551): EHVDSQEKAP[Lys541Gly]TDDSFSDVDC

ClinVar aggregate classification (germline): Uncertain significance (1 of 4 stars; one submission).

Conditions:
Hereditary cancer-predisposing syndrome. Also called: Tumor predisposition; Hereditary Cancer Syndrome; Neoplastic Syndromes, Hereditary; Hereditary neoplastic syndrome. Identifiers: Orphanet 140162, MedGen C0027672, MeSH D009386, MONDO:0015356.

Submission:

Color Diagnostics, LLC DBA Color Health
Classification: Uncertain significance for Hereditary cancer-predisposing syndrome. Last evaluated: 2025-06-20. Review status: criteria provided, single submitter. Criteria: ACMG Guidelines, 2015. Collection method: clinical testing. Allele origin: germline.
Comment: This missense variant replaces lysine with glycine at codon 541 of the PMS2 protein. To our knowledge, functional studies have not been reported for this variant. This variant has not been reported in individuals affected with PMS2-related disorders in the literature. This variant has not been identified in the general population by the Genome Aggregation Database (gnomAD). The available evidence is insufficient to determine the role of this variant in disease conclusively. Therefore, this variant is classified as a Variant of Uncertain Significance.